The following is an entry in ClinVar:

ClinVar aggregate classification (germline): Uncertain significance. Review status: criteria provided, multiple submitters, no conflicts (2 of 4 stars). 2 submissions from 2 submitters: Uncertain significance (2). Last evaluated 2025-05-05.

Conditions:
Neurofibromatosis, type 2 (SWNV). Also called: BILATERAL ACOUSTIC NEUROFIBROMATOSIS; SCHWANNOMATOSIS, VESTIBULAR; NF2-Related Schwannomatosis. Identifiers: Orphanet 637, MedGen C0027832, MONDO:0007039, OMIM 101000. Disease mechanism: loss of function.
Hereditary cancer-predisposing syndrome. Also called: Tumor predisposition; Neoplastic Syndromes, Hereditary; Hereditary Cancer Syndrome; Hereditary neoplastic syndrome. Identifiers: Orphanet 140162, MedGen C0027672, MeSH D009386, MONDO:0015356.

Allele frequency attached by ClinVar (database versions not stated): gnomAD exomes below 0.00001.

Submissions (2):

Ambry Genetics
Classification: Uncertain significance for Hereditary cancer-predisposing syndrome. Last evaluated: 2025-05-05. Review status: criteria provided, single submitter. Criteria: Ambry Variant Classification Scheme 2023. Collection method: clinical testing. Allele origin: germline.
Comment: The p.E553G variant (also known as c.1658A>G), located in coding exon 15 of the NF2 gene, results from an A to G substitution at nucleotide position 1658. The glutamic acid at codon 553 is replaced by glycine, an amino acid with similar properties. This amino acid position is conserved. In addition, this alteration is predicted to be deleterious by in silico analysis. Based on the available evidence, the clinical significance of this variant remains unclear.

Labcorp Genetics (formerly Invitae), Labcorp
Classification: Uncertain significance for Neurofibromatosis, type 2. Last evaluated: 2025-04-14. Review status: criteria provided, single submitter. Criteria: Invitae Variant Classification Sherloc (09022015). Collection method: clinical testing. Allele origin: germline.
Comment: This sequence change replaces glutamic acid, which is acidic and polar, with glycine, which is neutral and non-polar, at codon 553 of the NF2 protein (p.Glu553Gly). This variant is not present in population databases (gnomAD no frequency). This variant has not been reported in the literature in individuals affected with NF2-related conditions. ClinVar contains an entry for this variant (Variation ID: 1470605). Invitae Evidence Modeling of protein sequence and biophysical properties (such as structural, functional, and spatial information, amino acid conservation, physicochemical variation, residue mobility, and thermodynamic stability) indicates that this missense variant is not expected to disrupt NF2 protein function with a negative predictive value of 80%. In summary, the available evidence is currently insufficient to determine the role of this variant in disease. Therefore, it has been classified as a Variant of Uncertain Significance.

NM_000268.4(NF2):c.1658A>G (p.Glu553Gly)

Gene: NF2 (NF2, moesin-ezrin-radixin like (MERLIN) tumor suppressor; plus strand). Cytogenetic location: 22q12.2.
Variant type: single nucleotide variant.
Coding change: c.1658A>G on transcript NM_000268.4 (MANE Select); coding-DNA position 1658, A replaced by G.
Protein change: p.Glu553Gly; replaces glutamic acid 553 with glycine.
Molecular consequence: missense variant. On other transcripts: non-coding transcript variant (1), intron variant (1).
Genome position (GRCh38, 1-based): chr22:29,681,522, A>G. VCF-style: chr22-29681522-A-G. GRCh37 (hg19) VCF-style: chr22-30077511-A-G.
Other names: c.1658A>G (NM_000268.3); c.1658A>G, p.Glu553Gly (NM_016418.5, NM_181825.3, NM_181832.3); c.1532A>G, p.Glu511Gly (NM_181828.3); c.1535A>G, p.Glu512Gly (NM_181829.3); c.1409A>G, p.Glu470Gly (NM_181830.3, NM_181831.3); c.448-13230A>G (NM_181833.3); short protein forms E553G, E511G, E512G, E470G.
Identifiers: ClinVar variation 1470605 (VCV001470605.7), dbSNP rs2147123000, ClinGen allele CA411150222.